The following is an entry in ClinVar:

NM_205836.3(FBXO38):c.1282C>T (p.Arg428Ter)

Gene: FBXO38 (F-box protein 38; plus strand). Cytogenetic location: 5q32.
Variant type: single nucleotide variant.
Coding change: c.1282C>T on transcript NM_205836.3 (MANE Select); coding-DNA position 1282, C replaced by T.
Protein change: p.Arg428Ter; replaces arginine 428 with a stop codon.
Molecular consequence: nonsense.
Genome position (GRCh38, 1-based): chr5:148,415,945, C>T. VCF-style: chr5-148415945-C-T. GRCh37 (hg19) VCF-style: chr5-147795508-C-T.
Other names: c.1282C>T, p.Arg428Ter (NM_001271723.2, NM_030793.5); short protein forms R428*.
Identifiers: ClinVar variation 4770509 (VCV004770509.1).

ClinVar aggregate classification (germline): Uncertain significance (1 of 4 stars; one submission).

Conditions:
Distal hereditary motor neuropathy type 2. Identifiers: Orphanet 139525, MedGen C3711384, MeSH C580044, MONDO:0015352.

Submission:

Labcorp Genetics (formerly Invitae), Labcorp
Classification: Uncertain significance for Distal hereditary motor neuropathy type 2. Last evaluated: 2025-10-14. Review status: criteria provided, single submitter. Criteria: Invitae Variant Classification Sherloc (09022015). Collection method: clinical testing. Allele origin: germline.
Comment: This sequence change creates a premature translational stop signal (p.Arg428*) in the FBXO38 gene. It is expected to result in an absent or disrupted protein product. However, the current clinical and genetic evidence is not sufficient to establish whether loss-of-function variants in FBXO38 cause disease. This variant is not present in population databases (gnomAD no frequency). This variant has not been reported in the literature in individuals affected with FBXO38-related conditions. In summary, the available evidence is currently insufficient to determine the role of this variant in disease. Therefore, it has been classified as a Variant of Uncertain Significance.